The following is an entry in ClinVar:

NM_145886.4(PIDD1):c.589C>G (p.Gln197Glu)

Gene: PIDD1 (p53-induced death domain protein 1; minus strand). Cytogenetic location: 11p15.5.
Variant type: single nucleotide variant.
Coding change: c.589C>G on transcript NM_145886.4 (MANE Select); coding-DNA position 589, C replaced by G.
Protein change: p.Gln197Glu; replaces glutamine 197 with glutamic acid.
Molecular consequence: missense variant.
Genome position (GRCh38, 1-based): chr11:803,294, G>C on the plus strand (C>G on the coding strand, the complement: PIDD1 is on the minus strand). VCF-style: chr11-803294-G-C. GRCh37 (hg19) VCF-style: chr11-803294-G-C.
Other names: c.589C>G, p.Gln197Glu (NM_145887.4); c.589C>G (NM_145886.3); short protein forms Q197E.
Identifiers: ClinVar variation 2039121 (VCV002039121.5), dbSNP rs763874435, ClinGen allele CA5790416.

ClinVar aggregate classification (germline): Uncertain significance. Review status: criteria provided, multiple submitters, no conflicts (2 of 4 stars). 2 submissions from 2 submitters: Uncertain significance (2). Last evaluated 2025-01-09.

Conditions:
Inborn genetic diseases. Identifiers: MedGen C0950123, MeSH D030342.

Allele frequency attached by ClinVar (database versions not stated): TOPMed 0.00003; ExAC 0.00001; gnomAD exomes 0.00002; gnomAD 0.00003.
gnomAD v4.1: 40 of 1,613,706 alleles (0.0025%); highest among the groups gnomAD compares: Middle Eastern, 0.13%; no homozygotes.

Submissions (2):

Ambry Genetics
Classification: Uncertain significance for Inborn genetic diseases. Last evaluated: 2025-01-09. Review status: criteria provided, single submitter. Criteria: Ambry Variant Classification Scheme 2023. Collection method: clinical testing. Allele origin: germline.

Labcorp Genetics (formerly Invitae), Labcorp
Classification: Uncertain significance. Last evaluated: 2023-11-06. Review status: criteria provided, single submitter. Criteria: Invitae Variant Classification Sherloc (09022015). Collection method: clinical testing. Allele origin: germline.
Comment: This sequence change replaces glutamine, which is neutral and polar, with glutamic acid, which is acidic and polar, at codon 197 of the PIDD1 protein (p.Gln197Glu). This variant is present in population databases (rs763874435, gnomAD 0.002%). This variant has not been reported in the literature in individuals affected with PIDD1-related conditions. ClinVar contains an entry for this variant (Variation ID: 2039121). An algorithm developed to predict the effect of missense changes on protein structure and function (PolyPhen-2) suggests that this variant is likely to be tolerated. In summary, the available evidence is currently insufficient to determine the role of this variant in disease. Therefore, it has been classified as a Variant of Uncertain Significance.